The following is an entry in ClinVar:

NM_001378454.1(ALMS1):c.173C>T (p.Ser58Phe)

Gene: ALMS1 (ALMS1 centrosome and basal body associated protein; plus strand). Cytogenetic location: 2p13.1.
Variant type: single nucleotide variant.
Coding change: c.173C>T on transcript NM_001378454.1 (MANE Select); coding-DNA position 173, C replaced by T.
Protein change: p.Ser58Phe; replaces serine 58 with phenylalanine.
Molecular consequence: missense variant.
Genome position (GRCh38, 1-based): chr2:73,386,041, C>T. VCF-style: chr2-73386041-C-T. GRCh37 (hg19) VCF-style: chr2-73613169-C-T.
Other names: c.176C>T, p.Ser59Phe (NM_015120.4); short protein forms S58F, S59F.
Identifiers: ClinVar variation 3392884 (VCV003392884.2).

ClinVar aggregate classification (germline): Uncertain significance. Review status: criteria provided, single submitter (1 of 4 stars). 2 submissions from 2 submitters: Uncertain significance (1). 1 of the submissions does not count toward it. Last evaluated 2024-06-28.

Conditions:
Alstrom syndrome (ALMS). Identifiers: Orphanet 64, MedGen C0268425, MONDO:0008763, OMIM 203800.

gnomAD v4.1: 1 of 1,571,192 alleles (0.000064%); highest among the groups gnomAD compares: Non-Finnish European, 0.000086%; no homozygotes.

Submissions (2):

GeneDx
Classification: Uncertain significance. Last evaluated: 2024-06-28. Review status: criteria provided, single submitter. Criteria: GeneDx Variant Classification Process June 2021. Collection method: clinical testing. Allele origin: germline. Affected: yes.
Comment: Not observed at significant frequency in large population cohorts (gnomAD); In silico analysis indicates that this missense variant does not alter protein structure/function; Has not been previously published as pathogenic or benign to our knowledge

Natera, Inc.
Classification: Uncertain significance for Alstrom syndrome. Last evaluated: 2025-05-11. Review status: no assertion criteria provided. Collection method: clinical testing. Allele origin: germline. Not counted in ClinVar's aggregate classification.